The following is an entry in ClinVar:

NM_004727.3(SLC24A1):c.-275G>A

Gene: SLC24A1 (solute carrier family 24 member 1; plus strand). Cytogenetic location: 15q22.31.
Variant type: single nucleotide variant.
Coding change: c.-275G>A on transcript NM_004727.3 (MANE Select); 275 bases upstream of the start codon, G replaced by A.
Molecular consequence: 5 prime UTR variant. On other transcripts: intron variant (1).
Genome position (GRCh38, 1-based): chr15:65,621,944, G>A. VCF-style: chr15-65621944-G-A. GRCh37 (hg19) VCF-style: chr15-65914282-G-A.
Other names: c.-126-2011G>A (NM_001301033.2).
Identifiers: ClinVar variation 316779 (VCV000316779.5), dbSNP rs115370128, ClinGen allele CA10636364.

ClinVar aggregate classification (germline): Likely benign (1 of 4 stars; one submission).

Conditions:
Congenital stationary night blindness 1D. Also called: Night blindness, congenital stationary (complete), 1D, autosomal recessive. Identifiers: Orphanet 215, MedGen C3151193, MONDO:0013450, OMIM 613830.

Allele frequency attached by ClinVar (database versions not stated): gnomAD 0.00260 and 0.00275; TOPMed 0.00303; 1000 Genomes Project 30x 0.00406; 1000 Genomes Project 0.00419.
gnomAD v4.1: 393 of 152,310 alleles (0.26%); highest among the groups gnomAD compares: African/African-American, 0.91%; 1 homozygote.

Submission:

Illumina Laboratory Services, Illumina
Classification: Likely benign for Congenital stationary night blindness 1D. Last evaluated: 2018-01-12. Review status: criteria provided, single submitter. Criteria: ICSL Variant Classification Criteria 13 December 2019. Collection method: clinical testing. Allele origin: germline.
Comment: This variant was observed in the ICSL laboratory as part of a predisposition screen in an ostensibly healthy population. It had not been previously curated by ICSL or reported in the Human Gene Mutation Database (HGMD: prior to June 1st, 2018), and was therefore a candidate for classification through an automated scoring system. Utilizing variant allele frequency, disease prevalence and penetrance estimates, and inheritance mode, an automated score was calculated to assess if this variant is too frequent to cause the disease. Based on the score and internal cut-off values, a variant classified as likely benign is not then subjected to further curation. The score for this variant resulted in a classification of likely benign for this disease.